The following is an entry in ClinVar:

ClinVar aggregate classification (germline): Benign. Review status: criteria provided, multiple submitters, no conflicts (2 of 4 stars). 3 submissions from 3 submitters: Benign (2). 1 of the submissions does not count toward it. Last evaluated 2026-02-04.

Conditions:
Autosomal recessive congenital ichthyosis 10 (ARCI10). Identifiers: Orphanet 79394, MedGen C3554355, MONDO:0014011, OMIM 615024.
PNPLA1-related disorder. Also called: PNPLA1-related condition.

Allele frequency attached by ClinVar (database versions not stated): gnomAD exomes 0.00087 and 0.00246; ExAC 0.00295; gnomAD 0.00836 and 0.00887; ESP Exome Variant Server 0.00892; TOPMed 0.00982; 1000 Genomes Project 0.01138; 1000 Genomes Project 30x 0.01249.
gnomAD v4.1: 2,618 of 1,614,146 alleles (0.16%); highest among the groups gnomAD compares: African/African-American, 2.8%; 35 homozygotes.

Submissions (3):

Labcorp Genetics (formerly Invitae), Labcorp
Classification: Benign. Last evaluated: 2026-02-04. Review status: criteria provided, single submitter. Criteria: Invitae Variant Classification Sherloc (09022015). Collection method: clinical testing. Allele origin: germline.

Illumina Laboratory Services, Illumina
Classification: Benign for Autosomal recessive congenital ichthyosis 10. Last evaluated: 2018-01-13. Review status: criteria provided, single submitter. Criteria: ICSL Variant Classification Criteria 13 December 2019. Collection method: clinical testing. Allele origin: germline.
Comment: This variant was observed in the ICSL laboratory as part of a predisposition screen in an ostensibly healthy population. It had not been previously curated by ICSL or reported in the Human Gene Mutation Database (HGMD: prior to June 1st, 2018), and was therefore a candidate for classification through an automated scoring system. Utilizing variant allele frequency, disease prevalence and penetrance estimates, and inheritance mode, an automated score was calculated to assess if this variant is too frequent to cause the disease. Based on the score and internal cut-off values, a variant classified as benign is not then subjected to further curation. The score for this variant resulted in a classification of benign for this disease.

PreventionGenetics, part of Exact Sciences
Classification: Benign for PNPLA1-related condition. Last evaluated: 2024-03-27. Review status: no assertion criteria provided. Collection method: clinical testing. Allele origin: germline. Not counted in ClinVar's aggregate classification.
Comment: This variant is classified as benign based on ACMG/AMP sequence variant interpretation guidelines (Richards et al. 2015 PMID: 25741868, with internal and published modifications).

NM_001374623.1(PNPLA1):c.1166T>C (p.Leu389Pro)

Gene: PNPLA1 (patatin like domain 1, omega-hydroxyceramide transacylase; plus strand). Cytogenetic location: 6p21.31.
Variant type: single nucleotide variant.
Coding change: c.1166T>C on transcript NM_001374623.1 (MANE Select); coding-DNA position 1166, T replaced by C.
Protein change: p.Leu389Pro; replaces leucine 389 with proline.
Molecular consequence: missense variant.
Genome position (GRCh38, 1-based): chr6:36,302,251, T>C. VCF-style: chr6-36302251-T-C. GRCh37 (hg19) VCF-style: chr6-36270028-T-C.
Other names: c.1166T>C, p.Leu389Pro (NM_001145717.1); c.908T>C, p.Leu303Pro (NM_001145716.2); c.881T>C, p.Leu294Pro (NM_173676.2); short protein forms L294P, L389P, L303P.
Identifiers: ClinVar variation 356574 (VCV000356574.14), dbSNP rs59882043, ClinGen allele CA3777948.